The following is an entry in ClinVar:

NM_016239.4(MYO15A):c.4615A>G (p.Ile1539Val)

Gene: MYO15A (myosin XVA; plus strand). Cytogenetic location: 17p11.2.
Variant type: single nucleotide variant.
Coding change: c.4615A>G on transcript NM_016239.4 (MANE Select); coding-DNA position 4615, A replaced by G.
Protein change: p.Ile1539Val; replaces isoleucine 1539 with valine.
Molecular consequence: missense variant.
Genome position (GRCh38, 1-based): chr17:18,136,435, A>G. VCF-style: chr17-18136435-A-G. GRCh37 (hg19) VCF-style: chr17-18039749-A-G.
Other names: short protein forms I1539V.
Identifiers: ClinVar variation 1897206 (VCV001897206.4), dbSNP rs766510991, ClinGen allele CA8423965.

ClinVar aggregate classification (germline): Uncertain significance. Review status: criteria provided, multiple submitters, no conflicts (2 of 4 stars). 3 submissions from 3 submitters: Uncertain significance (3). Last evaluated 2022-08-10.

Conditions:
Inborn genetic diseases. Identifiers: MedGen C0950123, MeSH D030342.

Allele frequency attached by ClinVar (database versions not stated): gnomAD 0.00001; TOPMed 0.00002; gnomAD exomes 0.00003; ExAC 0.00004.

Submissions (3):

GeneDx
Classification: Uncertain significance. Last evaluated: 2022-08-10. Review status: criteria provided, single submitter. Criteria: GeneDx Variant Classification Process June 2021. Collection method: clinical testing. Allele origin: germline. Affected: yes.
Comment: In silico analysis supports that this missense variant does not alter protein structure/function; Has not been previously published as pathogenic or benign to our knowledge

Labcorp Genetics (formerly Invitae), Labcorp
Classification: Uncertain significance. Last evaluated: 2022-05-16. Review status: criteria provided, single submitter. Criteria: Invitae Variant Classification Sherloc (09022015). Collection method: clinical testing. Allele origin: germline.
Comment: This sequence change replaces isoleucine, which is neutral and non-polar, with valine, which is neutral and non-polar, at codon 1539 of the MYO15A protein (p.Ile1539Val). This variant is present in population databases (rs766510991, gnomAD 0.04%). This variant has not been reported in the literature in individuals affected with MYO15A-related conditions. Advanced modeling of protein sequence and biophysical properties (such as structural, functional, and spatial information, amino acid conservation, physicochemical variation, residue mobility, and thermodynamic stability) performed at Invitae indicates that this missense variant is not expected to disrupt MYO15A protein function. In summary, the available evidence is currently insufficient to determine the role of this variant in disease. Therefore, it has been classified as a Variant of Uncertain Significance.

Ambry Genetics
Classification: Uncertain significance for Inborn genetic diseases. Last evaluated: 2021-08-02. Review status: criteria provided, single submitter. Criteria: Ambry Variant Classification Scheme 2023. Collection method: clinical testing. Allele origin: germline.